The following is an entry in ClinVar:

ClinVar aggregate classification (germline): Uncertain significance (1 of 4 stars; one submission).

Conditions:
Familial adenomatous polyposis 1 (FAP1). Also called: FAMILIAL ADENOMATOUS POLYPOSIS 1, ATTENUATED; POLYPOSIS, ADENOMATOUS INTESTINAL. Identifiers: MedGen C2713442, MONDO:0021056, OMIM 175100. Disease mechanism: loss of function.

Submission:

Labcorp Genetics (formerly Invitae), Labcorp
Classification: Uncertain significance for Familial adenomatous polyposis 1. Last evaluated: 2025-11-22. Review status: criteria provided, single submitter. Criteria: Invitae Variant Classification Sherloc (09022015). Collection method: clinical testing. Allele origin: germline.
Comment: This variant, c.5656_5661del, results in the deletion of 2 amino acid(s) of the APC protein (p.Glu1886_Asn1887del), but otherwise preserves the integrity of the reading frame. This variant is not present in population databases (gnomAD no frequency). This variant has not been reported in the literature in individuals affected with APC-related conditions. Experimental studies and prediction algorithms are not available or were not evaluated, and the functional significance of this variant is currently unknown. In summary, the available evidence is currently insufficient to determine the role of this variant in disease. Therefore, it has been classified as a Variant of Uncertain Significance.

NM_000038.6(APC):c.5656_5661del (p.Glu1886_Asn1887del)

Gene: APC (APC regulator of Wnt signaling pathway; plus strand). Cytogenetic location: 5q22.2.
Variant type: Deletion.
Coding change: c.5656_5661del on transcript NM_000038.6 (MANE Select); coding-DNA positions 5656 to 5661, 6 bases deleted (GAAAAT; older notation c.5656_5661delGAAAAT).
Protein change: p.Glu1886_Asn1887del.
Molecular consequence: inframe deletion. On other transcripts: non-coding transcript variant (2).
Genome position (GRCh38, 1-based): chr5:112,841,250-112,841,255, GAAAAT deleted. VCF-style (leftmost placement, unchanged base first): chr5-112841249-AGAAAAT-A. GRCh37 (hg19) VCF-style: chr5-112176946-AGAAAAT-A.
Other names: c.5656_5661del, p.Glu1886_Asn1887del (NM_001127510.3, NM_001354895.2, NM_001407450.1); c.5602_5607del, p.Glu1868_Asn1869del (NM_001127511.3); c.5710_5715del, p.Glu1904_Asn1905del (NM_001354896.2, NM_001407447.1, NM_001407448.1 and 1 more transcripts); c.5686_5691del, p.Glu1896_Asn1897del (NM_001354897.2); c.5581_5586del, p.Glu1861_Asn1862del (NM_001354898.2); c.5572_5577del, p.Glu1858_Asn1859del (NM_001354899.2); c.5533_5538del, p.Glu1845_Asn1846del (NM_001354900.2); c.5479_5484del, p.Glu1827_Asn1828del (NM_001354901.2, NM_001407453.1); and 11 more.
Identifiers: ClinVar variation 4731667 (VCV004731667.1).